The following is an entry in ClinVar:

ClinVar aggregate classification (germline): Benign. Review status: criteria provided, multiple submitters, no conflicts (2 of 4 stars). 4 submissions from 2 submitters: Benign (4). Last evaluated 2021-05-24.

Conditions:
Renal-hepatic-pancreatic dysplasia 1 (RHPD1). Identifiers: MedGen C3715199, MONDO:0008833, OMIM 208540.
NPHP3-related Meckel-like syndrome. Also called: GOLDSTON SYNDROME; Meckel syndrome type 7. Identifiers: Orphanet 3032, MedGen C2673885, MONDO:0009966, OMIM 267010.
Nephronophthisis 3 (NPHP3). Also called: Adolescent nephronophthisis. Identifiers: Orphanet 655, MedGen C1858392, MONDO:0011456, OMIM 604387.

Allele frequency attached by ClinVar (database versions not stated): gnomAD 0.02919 and 0.03141; 1000 Genomes Project 0.03215; 1000 Genomes Project 30x 0.03342; TOPMed 0.03355.

Submissions (4):

GeneDx
Classification: Benign. Last evaluated: 2021-05-24. Review status: criteria provided, single submitter. Criteria: GeneDx Variant Classification Process June 2021. Collection method: clinical testing. Allele origin: germline. Affected: yes.

Illumina Laboratory Services, Illumina
Classification: Benign for NPHP3-related Meckel-like syndrome. Last evaluated: 2018-01-13. Review status: criteria provided, single submitter. Criteria: ICSL Variant Classification Criteria 13 December 2019. Collection method: clinical testing. Allele origin: germline.
Comment: This variant was observed in the ICSL laboratory as part of a predisposition screen in an ostensibly healthy population. It had not been previously curated by ICSL or reported in the Human Gene Mutation Database (HGMD: prior to June 1st, 2018), and was therefore a candidate for classification through an automated scoring system. Utilizing variant allele frequency, disease prevalence and penetrance estimates, and inheritance mode, an automated score was calculated to assess if this variant is too frequent to cause the disease. Based on the score and internal cut-off values, a variant classified as benign is not then subjected to further curation. The score for this variant resulted in a classification of benign for this disease.

Illumina Laboratory Services, Illumina
Classification: Benign for Renal-hepatic-pancreatic dysplasia 1. Last evaluated: 2018-01-13. Review status: criteria provided, single submitter. Criteria: ICSL Variant Classification Criteria 13 December 2019. Collection method: clinical testing. Allele origin: germline.
Comment: the same text as in the submission from Illumina Laboratory Services, Illumina above.

Illumina Laboratory Services, Illumina
Classification: Benign for Nephronophthisis 3. Last evaluated: 2018-01-13. Review status: criteria provided, single submitter. Criteria: ICSL Variant Classification Criteria 13 December 2019. Collection method: clinical testing. Allele origin: germline.
Comment: the same text as in the submission from Illumina Laboratory Services, Illumina above.

NM_153240.5(NPHP3):c.*657C>T

Genes: NPHP3-ACAD11 (NPHP3-ACAD11 readthrough (NMD candidate); minus strand), NPHP3 (nephrocystin 3; minus strand). Cytogenetic location: 3q22.1.
Variant type: single nucleotide variant.
Coding change: c.*657C>T on transcript NM_153240.5 (MANE Select); 657 bases downstream of the stop codon, C replaced by T.
Molecular consequence: 3 prime UTR variant.
Genome position (GRCh38, 1-based): chr3:132,681,253, G>A on the plus strand (C>T on the coding strand, the complement: NPHP3 is on the minus strand). VCF-style: chr3-132681253-G-A. GRCh37 (hg19) VCF-style: chr3-132400097-G-A.
Identifiers: ClinVar variation 343363 (VCV000343363.8), dbSNP rs79224795, ClinGen allele CA10615343.